The following is an entry in ClinVar:

NM_001162501.2(TNRC6B):c.1822_1823del (p.Leu608fs)

Gene: TNRC6B (trinucleotide repeat containing adaptor 6B; plus strand). Cytogenetic location: 22q13.1.
Variant type: Deletion.
Coding change: c.1822_1823del on transcript NM_001162501.2 (MANE Select); coding-DNA positions 1822 to 1823, 2 bases deleted (TT; older notation c.1822_1823delTT).
Protein change: p.Leu608fs; shifts the reading frame from leucine 608.
Molecular consequence: frameshift variant. On other transcripts: intron variant (1).
Genome position (GRCh38, 1-based): chr22:40,266,052-40,266,053, TT deleted; deleting any 2 consecutive bases within chr22:40,266,050-40,266,053 gives the same sequence; the c. name uses the placement nearest the transcript's 3' end. VCF-style (leftmost placement, unchanged base first): chr22-40266049-CTT-C. GRCh37 (hg19) VCF-style: chr22-40662053-CTT-C.
Other names: c.565+3879_565+3880del (NM_001024843.2); c.1822_1823del, p.Leu608fs (NM_015088.3); short protein forms L608fs.
Identifiers: ClinVar variation 1315976 (VCV001315976.3), dbSNP rs2146500307, ClinGen allele CA645618413.

ClinVar aggregate classification (germline): Conflicting classifications of pathogenicity. Review status: criteria provided, conflicting classifications (1 of 4 stars). 2 submissions from 2 submitters: Likely pathogenic (1); Uncertain significance (1). Last evaluated 2026-01-05.

Conditions:
Global developmental delay with speech and behavioral abnormalities. Identifiers: MedGen C5543226, MONDO:0030995, OMIM 619243.

Submissions (2):

Variantyx, Inc.
Classification: Likely pathogenic for Global developmental delay with speech and behavioral abnormalities. Last evaluated: 2026-01-05. Review status: criteria provided, single submitter. Criteria: Variantyx Assertion Criteria 2022. Collection method: clinical testing. Allele origin: germline. Inheritance: Autosomal dominant inheritance. Affected: yes.
Comment: This is a frameshift variant in the TNRC6B gene (OMIM: 610740). Pathogenic variants in this gene have been associated with autosomal dominant global developmental delay with speech and behavioral abnormalities. This variant introduces a premature termination codon in exon 5 out of 23 and is expected to result in loss of function, which is a known disease mechanism for TNRC6B in this disorder (PMID: 29463886, 32152250, 28191889, 27479843, 25284784) (PVS1). This variant has a 0.0011% maximum allele frequency in non-founder control populations (PM2). Based on the current evidence, this variant is classified as likely pathogenic for autosomal dominant global developmental delay with speech and behavioral abnormalities.Inheritance from an unaffected or mildly affected parent has been reported in the TNRC6B gene, consistent with incomplete penetrance and/or variable expressivity (PMID:32152250).

GeneDx
Classification: Uncertain significance. Last evaluated: 2019-12-30. Review status: criteria provided, single submitter. Criteria: GeneDx Variant Classification Process June 2021. Collection method: clinical testing. Allele origin: germline. Affected: yes.
Comment: Variants in candidate genes are classified as variants of uncertain significance in accordance with ACMG guidelines (Richards et al., 2015); Frameshift variant predicted to result in protein truncation or nonsense mediated decay in a gene for which loss-of-function is not a known mechanism of disease; Has not been previously published as pathogenic or benign to our knowledge; Not observed in large population cohorts (Lek et al., 2016); This variant is associated with the following publications: (PMID: 28191889)

Literature cited by the submitters: PubMed 29463886 (cited by Variantyx, Inc.); PubMed 32152250 (cited by Variantyx, Inc.); PubMed 28191889 (cited by Variantyx, Inc.); PubMed 27479843 (cited by Variantyx, Inc.); PubMed 25284784 (cited by Variantyx, Inc.).